The following is an entry in ClinVar:

NM_000132.4(F8):c.6430-2A>G

Gene: F8 (coagulation factor VIII; minus strand). Cytogenetic location: Xq28.
Variant type: single nucleotide variant.
Coding change: c.6430-2A>G on transcript NM_000132.4 (MANE Select); the canonical splice acceptor site of the intron before coding-DNA position 6430, A replaced by G.
Molecular consequence: splice acceptor variant.
Genome position (GRCh38, 1-based): chrX:154,863,229, T>C on the plus strand (A>G on the coding strand, the complement: F8 is on the minus strand). VCF-style: chrX-154863229-T-C. GRCh37 (hg19) VCF-style: chrX-154091504-T-C.
Other names: NC_000023.10:g.154091504T>C; c.25-2A>G (NM_019863.3).
Identifiers: ClinVar variation 3345431 (VCV003345431.2).

ClinVar aggregate classification (germline): Pathogenic (0 of 4 stars; one submission).

Conditions:
F8-related disorder. Also called: F8-related condition.

Submissions (2):

PreventionGenetics, part of Exact Sciences
Classification: Pathogenic for F8-related condition. Last evaluated: 2024-09-04. Review status: no assertion criteria provided. Collection method: clinical testing. Allele origin: germline.
Comment: The F8 c.6430-2A>G variant is predicted to disrupt the AG splice acceptor site and interfere with normal splicing. This variant has been reported in two individuals from a family with hemophilia A (Repesse et al. 2007. PubMed ID: 17445092). This variant has not been reported in a large population database, indicating this variant is rare. Variants that disrupt the consensus splice acceptor site in F8 are expected to be pathogenic. For example, a different nucleotide change affecting this canonical splice acceptor site (c.6430-2A>T) has also been reported in an individual with a clinical diagnosis of hemophilia A (Table S6, Johnsen et al. 2022. PubMed ID: 35770352). This variant is interpreted as pathogenic.

Dr. Peter K. Rogan Lab, Western University
No classification provided (evidence only). Condition: Nonpapillary renal cell carcinoma. Review status: no classification provided. Collection method: in vitro. Allele origin: not applicable. Functional consequence: retained intron. Not counted in ClinVar's aggregate classification.